The following is an entry in ClinVar:

ClinVar aggregate classification (germline): Pathogenic (1 of 4 stars; one submission).

Conditions:
Lynch syndrome 5 (LYNCH5). Also called: Colorectal cancer, hereditary nonpolyposis, type 5; Hereditary non-polyposis colorectal cancer, type 5. Identifiers: Orphanet 144, MedGen C1833477, MONDO:0013710, OMIM 614350. Disease mechanism: loss of function.

Submission:

Myriad Genetics, Inc.
Classification: Pathogenic for Lynch syndrome 5. Last evaluated: 2023-08-24. Review status: criteria provided, single submitter. Criteria: Myriad Autosomal Dominant, Autosomal Recessive and X-Linked Classification Criteria (2023). Collection method: clinical testing. Allele origin: unknown.
Comment: This variant is considered pathogenic. This variant creates a frameshift predicted to result in premature protein truncation.

NM_000179.3(MSH6):c.3483_3502del (p.Ala1162fs)

Gene: MSH6 (mutS homolog 6; plus strand). Cytogenetic location: 2p16.3.
Variant type: Deletion.
Coding change: c.3483_3502del on transcript NM_000179.3 (MANE Select); coding-DNA positions 3483 to 3502, 20 bases deleted (TGCTGAAGTGTGCAGGCTCA).
Protein change: p.Ala1162fs; shifts the reading frame from alanine 1162.
Molecular consequence: frameshift variant. On other transcripts: non-coding transcript variant (4).
Genome position (GRCh38, 1-based): chr2:47,804,954-47,804,973, TGCTGAAGTGTGCAGGCTCA deleted. VCF-style (leftmost placement, unchanged base first): chr2-47804953-CTGCTGAAGTGTGCAGGCTCA-C. GRCh37 (hg19) VCF-style: chr2-48032092-CTGCTGAAGTGTGCAGGCTCA-C.
Other names: c.3093_3112del, p.Ala1032fs (NM_001281492.2); c.2577_2596del, p.Ala860fs (NM_001281493.2, NM_001281494.2, NM_001406811.1 and 6 more transcripts); c.3579_3598del, p.Ala1194fs (NM_001406795.1, NM_001406802.1); c.3483_3502del, p.Ala1162fs (NM_001406796.1, NM_001406800.1, NM_001406808.1 and 1 more transcripts); c.3186_3205del, p.Ala1063fs (NM_001406797.1, NM_001406801.1, NM_001406805.1 and 10 more transcripts); c.3309_3328del, p.Ala1104fs (NM_001406798.1); c.2958_2977del, p.Ala987fs (NM_001406799.1, NM_001406806.1, NM_001406807.1); c.2619_2638del, p.Ala874fs (NM_001406803.1); and 7 more; short protein forms A1032fs, A1063fs, A1104fs, A1106fs, A111fs, A1136fs, A1162fs, A1164fs.
Identifiers: ClinVar variation 2673700 (VCV002673700.1), dbSNP rs2530801195, ClinGen allele CA2695200560.